The following is an entry in ClinVar:

ClinVar aggregate classification (germline): Pathogenic/Likely pathogenic. Review status: criteria provided, multiple submitters, no conflicts (2 of 4 stars). 2 submissions from 2 submitters: Pathogenic (1); Likely pathogenic (1). Last evaluated 2025-04-26.

Conditions:
ARSG-related disorder. Also called: ARSG-related condition.

Submissions (2):

Labcorp Genetics (formerly Invitae), Labcorp
Classification: Pathogenic. Last evaluated: 2025-04-26. Review status: criteria provided, single submitter. Criteria: Invitae Variant Classification Sherloc (09022015). Collection method: clinical testing. Allele origin: germline.
Comment: This sequence change creates a premature translational stop signal (p.Thr31Glnfs*9) in the ARSG gene. It is expected to result in an absent or disrupted protein product. Loss-of-function variants in ARSG are known to be pathogenic (PMID: 26975023, 34223797). This variant is present in population databases (rs782291804, gnomAD 0.007%). This variant has not been reported in the literature in individuals affected with ARSG-related conditions. ClinVar contains an entry for this variant (Variation ID: 959288). For these reasons, this variant has been classified as Pathogenic.

Blueprint Genetics
Classification: Likely pathogenic for ARSG-related disorders. Last evaluated: 2023-09-13. Review status: criteria provided, single submitter. Criteria: ACMG Guidelines, 2015. Collection method: clinical testing. Allele origin: germline. Affected: yes. Observed: 5 variant alleles.

Literature cited by the submitters: PubMed 26975023 (cited by Labcorp Genetics (formerly Invitae), Labcorp); PubMed 34223797 (cited by Labcorp Genetics (formerly Invitae), Labcorp).

NM_001267727.2(ARSG):c.91del (p.Thr31fs)

Gene: ARSG (arylsulfatase G; plus strand). Cytogenetic location: 17q24.2.
Variant type: Deletion.
Coding change: c.91del on transcript NM_001267727.2 (MANE Select); coding-DNA position 91, one base deleted (A; older notation c.91delA).
Protein change: p.Thr31fs; shifts the reading frame from threonine 31.
Molecular consequence: frameshift variant.
Genome position (GRCh38, 1-based): chr17:68,307,584, A deleted; the last of 4 consecutive A bases (chr17:68,307,581-68,307,584); deleting any one gives the same sequence. VCF-style (leftmost placement, unchanged base first): chr17-68307580-GA-G. GRCh37 (hg19) VCF-style: chr17-66303721-GA-G.
Other names: c.91del, p.Thr31fs (NM_001352899.2, NM_001352900.2, NM_001352901.2 and 9 more transcripts); short protein forms T31fs.
Identifiers: ClinVar variation 959288 (VCV000959288.8), dbSNP rs782291804, ClinGen allele CA8728103.